The following is an entry in ClinVar:

ClinVar aggregate classification (germline): Uncertain significance (0 of 4 stars; one submission).

Conditions:
DES-related disorder. Also called: DES-related condition.

Submission:

PreventionGenetics, part of Exact Sciences
Classification: Uncertain significance for DES-related condition. Last evaluated: 2023-12-29. Review status: no assertion criteria provided. Collection method: clinical testing. Allele origin: germline.
Comment: The DES c.7C>G variant is predicted to result in the amino acid substitution p.Gln3Glu. To our knowledge, this variant has not been reported in the literature or in a large population database, indicating this variant is rare. At this time, the clinical significance of this variant is uncertain due to the absence of conclusive functional and genetic evidence.

NM_001927.4(DES):c.7C>G (p.Gln3Glu)

Gene: DES (desmin; plus strand). Cytogenetic location: 2q35.
Variant type: single nucleotide variant.
Coding change: c.7C>G on transcript NM_001927.4 (MANE Select); coding-DNA position 7, C replaced by G.
Protein change: p.Gln3Glu; replaces glutamine 3 with glutamic acid.
Molecular consequence: missense variant.
Genome position (GRCh38, 1-based): chr2:219,418,469, C>G. VCF-style: chr2-219418469-C-G. GRCh37 (hg19) VCF-style: chr2-220283191-C-G.
Other names: c.7C>G, p.Gln3Glu (NM_001382708.1, NM_001382709.1, NM_001382710.1 and 3 more transcripts); short protein forms Q3E.
Identifiers: ClinVar variation 2631293 (VCV002631293.3), dbSNP rs1954358233, ClinGen allele CA350681960.
Genomic context (GRCh38, chr2:219,418,469, plus strand): 5'-CCGCCTGCCCGCCGCCTCCTCCGTGCGCCCGCCAGCCTCGCCCGCGCCGTCACCATGAGC[C>G]AGGCCTACTCGTCCAGCCAGCGCGTGTCCTCCTACCGCCGCACCTTCGGCGGGGCCCCGG-3'
Protein context (NP_001918.3, residues 1-13): MS[Gln3Glu]AYSSSQRVSS